The following is an entry in ClinVar:

ClinVar aggregate classification (germline): Uncertain significance (1 of 4 stars; one submission).

Allele frequency attached by ClinVar (database versions not stated): gnomAD 0.00001; TOPMed 0.00001.
gnomAD v4.1: 18 of 1,516,012 alleles (0.0012%); highest among the groups gnomAD compares: Non-Finnish European, 0.0014%; no homozygotes.

Submission:

Labcorp Genetics (formerly Invitae), Labcorp
Classification: Uncertain significance. Last evaluated: 2021-08-23. Review status: criteria provided, single submitter. Criteria: Invitae Variant Classification Sherloc (09022015). Collection method: clinical testing. Allele origin: germline.
Comment: In summary, the available evidence is currently insufficient to determine the role of this variant in disease. Therefore, it has been classified as a Variant of Uncertain Significance. Algorithms developed to predict the effect of missense changes on protein structure and function are either unavailable or do not agree on the potential impact of this missense change (SIFT: "Deleterious"; PolyPhen-2: "Possibly Damaging"; Align-GVGD: "Class C0"). This variant has not been reported in the literature in individuals affected with RGS9BP-related conditions. The frequency data for this variant in the population databases is considered unreliable, as metrics indicate insufficient coverage at this position in the ExAC database. This sequence change replaces threonine with alanine at codon 115 of the RGS9BP protein (p.Thr115Ala). The threonine residue is highly conserved and there is a small physicochemical difference between threonine and alanine.

NM_207391.3(RGS9BP):c.343A>G (p.Thr115Ala)

Gene: RGS9BP (regulator of G protein signaling 9 binding protein; plus strand). Cytogenetic location: 19q13.11.
Variant type: single nucleotide variant.
Coding change: c.343A>G on transcript NM_207391.3 (MANE Select); coding-DNA position 343, A replaced by G.
Protein change: p.Thr115Ala; replaces threonine 115 with alanine.
Molecular consequence: missense variant.
Genome position (GRCh38, 1-based): chr19:32,676,606, A>G. VCF-style: chr19-32676606-A-G. GRCh37 (hg19) VCF-style: chr19-33167512-A-G.
Other names: short protein forms T115A.
Identifiers: ClinVar variation 1376376 (VCV001376376.6), dbSNP rs1422422783, ClinGen allele CA405186457.